The following is an entry in ClinVar:

ClinVar aggregate classification (germline): Uncertain significance (1 of 4 stars; one submission).

Submission:

Ambry Genetics
Classification: Uncertain significance. Last evaluated: 2024-03-14. Review status: criteria provided, single submitter. Criteria: Ambry Variant Classification Scheme 2023. Collection method: clinical testing. Allele origin: germline.
Comment: The p.K949Q variant (also known as c.2845A>C), located in coding exon 16 of the PALLD gene, results from an A to C substitution at nucleotide position 2845. The lysine at codon 949 is replaced by glutamine, an amino acid with similar properties. This amino acid position is conserved. In addition, this alteration is predicted to be tolerated by in silico analysis. Based on the available evidence, the clinical significance of this alteration remains unclear.

NM_001166108.2(PALLD):c.2896A>C (p.Lys966Gln)

Genes: CBR4 (carbonyl reductase 4; minus strand), PALLD (palladin, cytoskeletal associated protein; plus strand). Cytogenetic location: 4q32.3.
Variant type: single nucleotide variant.
Coding change: c.2896A>C on transcript NM_001166108.2 (MANE Select); coding-DNA position 2896, A replaced by C.
Protein change: p.Lys966Gln; replaces lysine 966 with glutamine.
Molecular consequence: missense variant.
Genome position (GRCh38, 1-based): chr4:168,921,579, A>C. VCF-style: chr4-168921579-A-C. GRCh37 (hg19) VCF-style: chr4-169842730-A-C.
Other names: c.1699A>C, p.Lys567Gln (NM_001166109.2); c.1384A>C, p.Lys462Gln (NM_001166110.2); c.724A>C, p.Lys242Gln (NM_001367567.1, NM_001367569.1); c.775A>C, p.Lys259Gln (NM_001367568.1, NM_001367570.1); c.2845A>C, p.Lys949Gln (NM_016081.4); short protein forms K242Q, K259Q, K462Q, K567Q, K949Q, K966Q.
Identifiers: ClinVar variation 3226788 (VCV003226788.1), dbSNP rs2534192557, ClinGen allele CA358708530.